The following is an entry in ClinVar:

NM_001999.4(FBN2):c.5126A>G (p.Tyr1709Cys)

Gene: FBN2 (fibrillin 2; minus strand). Cytogenetic location: 5q23.3.
Variant type: single nucleotide variant.
Coding change: c.5126A>G on transcript NM_001999.4 (MANE Select); coding-DNA position 5126, A replaced by G.
Protein change: p.Tyr1709Cys; replaces tyrosine 1709 with cysteine.
Molecular consequence: missense variant.
Genome position (GRCh38, 1-based): chr5:128,310,057, T>C on the plus strand (A>G on the coding strand, the complement: FBN2 is on the minus strand). VCF-style: chr5-128310057-T-C. GRCh37 (hg19) VCF-style: chr5-127645749-T-C.
Other names: short protein forms Y1709C.
Identifiers: ClinVar variation 1702247 (VCV001702247.8), dbSNP rs759117573, ClinGen allele CA3394772.

ClinVar aggregate classification (germline): Conflicting classifications of pathogenicity. Review status: criteria provided, conflicting classifications (1 of 4 stars). 4 submissions from 4 submitters: Uncertain significance (3); Likely benign (1). Last evaluated 2024-10-08.

Conditions:
Ehlers-Danlos syndrome (EDS). Identifiers: Orphanet 98249, MedGen C0013720, MONDO:0020066.
Familial thoracic aortic aneurysm and aortic dissection (TAAD). Also called: Thoracic aortic aneurysms and dissections. Identifiers: Orphanet 91387, MedGen C4707243, MONDO:0019625.
Congenital contractural arachnodactyly (CCA). Also called: BEALS SYNDROME; Arthrogryposis, distal, type 9; Beals-Hecht syndrome. Identifiers: Orphanet 115, MedGen C0220668, MONDO:0007363, OMIM 121050.

Allele frequency attached by ClinVar (database versions not stated): ExAC 0.00001; gnomAD exomes 0.00001; TOPMed 0.00001; gnomAD 0.00002.
gnomAD v4.1: 19 of 1,613,798 alleles (0.0012%); highest among the groups gnomAD compares: Non-Finnish European, 0.0015%; no homozygotes.

Submissions (4):

Ambry Genetics
Classification: Uncertain significance for Familial thoracic aortic aneurysm and aortic dissection. Last evaluated: 2024-10-08. Review status: criteria provided, single submitter. Criteria: Ambry Variant Classification Scheme 2023. Collection method: clinical testing. Allele origin: germline.
Comment: The p.Y1709C variant (also known as c.5126A>G), located in coding exon 40 of the FBN2 gene, results from an A to G substitution at nucleotide position 5126. The tyrosine at codon 1709 is replaced by cysteine, an amino acid with highly dissimilar properties. This amino acid position is highly conserved in available vertebrate species. In addition, this alteration is predicted to be deleterious by in silico analysis. Based on the available evidence, the clinical significance of this variant remains unclear.

Labcorp Genetics (formerly Invitae), Labcorp
Classification: Likely benign for Congenital contractural arachnodactyly. Last evaluated: 2023-10-05. Review status: criteria provided, single submitter. Criteria: Invitae Variant Classification Sherloc (09022015). Collection method: clinical testing. Allele origin: germline.

Blueprint Genetics
Classification: Uncertain significance. Last evaluated: 2023-09-05. Review status: criteria provided, single submitter. Criteria: ACMG Guidelines, 2015. Collection method: clinical testing. Allele origin: germline.

Genome Diagnostics Laboratory, The Hospital for Sick Children
Classification: Uncertain significance for Ehlers-Danlos syndrome. Last evaluated: 2022-03-03. Review status: criteria provided, single submitter. Criteria: ACMG Guidelines, 2015. Collection method: clinical testing. Allele origin: germline.